The following is an entry in ClinVar:

NM_000277.3(PAH):c.214T>G (p.Leu72Val)

Gene: PAH (phenylalanine hydroxylase; minus strand). Cytogenetic location: 12q23.2.
Variant type: single nucleotide variant.
Coding change: c.214T>G on transcript NM_000277.3 (MANE Select); coding-DNA position 214, T replaced by G.
Protein change: p.Leu72Val; replaces leucine 72 with valine.
Molecular consequence: missense variant.
Genome position (GRCh38, 1-based): chr12:102,894,873, A>C on the plus strand (T>G on the coding strand, the complement: PAH is on the minus strand). VCF-style: chr12-102894873-A-C. GRCh37 (hg19) VCF-style: chr12-103288651-A-C.
Other names: c.214T>G, p.Leu72Val (NM_001354304.2); short protein forms L72V.
Identifiers: ClinVar variation 1933740 (VCV001933740.2), dbSNP rs760782775, ClinGen allele CA6748997.

ClinVar aggregate classification (germline): Uncertain significance (1 of 4 stars; one submission).

Conditions:
Phenylketonuria (PKU). Also called: Phenylketonurias; OLIGOPHRENIA PHENYLPYRUVICA; FOLLING DISEASE; Phenylketonuria (PKU). Identifiers: Orphanet 716, MedGen C0031485, MONDO:0009861, OMIM 261600. Disease mechanism: loss of function.

Allele frequency attached by ClinVar (database versions not stated): ExAC 0.00002; TOPMed 0.00001; gnomAD exomes 0.00001.
gnomAD v4.1: 7 of 1,613,954 alleles (0.00043%); highest among the groups gnomAD compares: Admixed American, 0.012%; no homozygotes.

Submission:

Labcorp Genetics (formerly Invitae), Labcorp
Classification: Uncertain significance for Phenylketonuria. Last evaluated: 2022-07-20. Review status: criteria provided, single submitter. Criteria: Invitae Variant Classification Sherloc (09022015). Collection method: clinical testing. Allele origin: germline.
Comment: This sequence change replaces leucine, which is neutral and non-polar, with valine, which is neutral and non-polar, at codon 72 of the PAH protein (p.Leu72Val). This variant is present in population databases (rs760782775, gnomAD 0.02%). This variant has not been reported in the literature in individuals affected with PAH-related conditions. Advanced modeling of protein sequence and biophysical properties (such as structural, functional, and spatial information, amino acid conservation, physicochemical variation, residue mobility, and thermodynamic stability) performed at Invitae indicates that this missense variant is not expected to disrupt PAH protein function. In summary, the available evidence is currently insufficient to determine the role of this variant in disease. Therefore, it has been classified as a Variant of Uncertain Significance.